The following is an entry in ClinVar:

NM_014425.5(INVS):c.1466G>A (p.Gly489Glu)

Gene: INVS (inversin; plus strand). Cytogenetic location: 9q31.1.
Variant type: single nucleotide variant.
Coding change: c.1466G>A on transcript NM_014425.5 (MANE Select); coding-DNA position 1466, G replaced by A.
Protein change: p.Gly489Glu; replaces glycine 489 with glutamic acid.
Molecular consequence: missense variant. On other transcripts: non-coding transcript variant (1).
Genome position (GRCh38, 1-based): chr9:100,264,823, G>A. VCF-style: chr9-100264823-G-A. GRCh37 (hg19) VCF-style: chr9-103027105-G-A.
Other names: c.1178G>A, p.Gly393Glu (NM_001318381.2); c.488G>A, p.Gly163Glu (NM_001318382.2); short protein forms G489E, G393E, G163E.
Identifiers: ClinVar variation 531623 (VCV000531623.7), dbSNP rs1015507237, ClinGen allele CA374236413.

ClinVar aggregate classification (germline): Uncertain significance. Review status: criteria provided, multiple submitters, no conflicts (2 of 4 stars). 2 submissions from 2 submitters: Uncertain significance (2). Last evaluated 2022-03-09.

Conditions:
Nephronophthisis. Also called: Juvenile Nephronophthisis. Identifiers: Orphanet 655, MedGen C0687120, MONDO:0019005, HP:0000090.
Infantile nephronophthisis (NPHP2). Also called: Nephronophthisis 2; Nephronophthisis 2, infantile. Identifiers: Orphanet 655, Orphanet 93591, MedGen C1865872, MONDO:0011190, OMIM 602088.

Allele frequency attached by ClinVar (database versions not stated): TOPMed 0.00001.
gnomAD v4.1: 29 of 1,608,644 alleles (0.0018%); highest among the groups gnomAD compares: Non-Finnish European, 0.0025%; no homozygotes.

Submissions (2):

Fulgent Genetics
Classification: Uncertain significance for Infantile nephronophthisis. Last evaluated: 2022-03-09. Review status: criteria provided, single submitter. Criteria: ACMG Guidelines, 2015. Collection method: clinical testing. Allele origin: unknown.

Labcorp Genetics (formerly Invitae), Labcorp
Classification: Uncertain significance for Nephronophthisis. Last evaluated: 2021-09-02. Review status: criteria provided, single submitter. Criteria: Invitae Variant Classification Sherloc (09022015). Collection method: clinical testing. Allele origin: germline.
Comment: This sequence change replaces glycine with glutamic acid at codon 489 of the INVS protein (p.Gly489Glu). The glycine residue is highly conserved and there is a moderate physicochemical difference between glycine and glutamic acid. This variant is not present in population databases (ExAC no frequency). This variant has not been reported in the literature in individuals affected with INVS-related conditions. Algorithms developed to predict the effect of missense changes on protein structure and function are either unavailable or do not agree on the potential impact of this missense change (SIFT: "Deleterious"; PolyPhen-2: "Probably Damaging"; Align-GVGD: "Class C0"). In summary, the available evidence is currently insufficient to determine the role of this variant in disease. Therefore, it has been classified as a Variant of Uncertain Significance.